The following is an entry in ClinVar:

NM_006343.3(MERTK):c.939G>A (p.Pro313=)

Gene: MERTK (MER proto-oncogene, tyrosine kinase; plus strand). Cytogenetic location: 2q13.
Variant type: single nucleotide variant.
Coding change: c.939G>A on transcript NM_006343.3 (MANE Select); coding-DNA position 939, G replaced by A.
Protein change: p.Pro313=; no amino-acid change (proline 313 retained).
Molecular consequence: synonymous variant.
Genome position (GRCh38, 1-based): chr2:111,968,231, G>A. VCF-style: chr2-111968231-G-A. GRCh37 (hg19) VCF-style: chr2-112725808-G-A.
Other names: c.939G>A (NM_006343.2).
Identifiers: ClinVar variation 1110057 (VCV001110057.12), dbSNP rs747537140, ClinGen allele CA1831228.

ClinVar aggregate classification (germline): Likely benign. Review status: criteria provided, multiple submitters, no conflicts (2 of 4 stars). 3 submissions from 3 submitters: Likely benign (3). Last evaluated 2025-05-15.

Conditions:
MERTK-related disorder. Also called: MERTK-related condition.

Allele frequency attached by ClinVar (database versions not stated): gnomAD 0.00001; gnomAD exomes 0.00007; ExAC 0.00010.
gnomAD v4.1: 24 of 1,613,440 alleles (0.0015%); highest among the groups gnomAD compares: Admixed American, 0.032%; no homozygotes.

Submissions (3):

PreventionGenetics, part of Exact Sciences
Classification: Likely benign for MERTK-related condition. Last evaluated: 2025-05-15. Review status: criteria provided, single submitter. Criteria: ACMG Guidelines, 2015. Collection method: clinical testing. Allele origin: germline.
Comment: This variant is classified as likely benign based on ACMG/AMP sequence variant interpretation guidelines (Richards et al. 2015 PMID: 25741868, with internal and published modifications).

Labcorp Genetics (formerly Invitae), Labcorp
Classification: Likely benign. Last evaluated: 2024-10-16. Review status: criteria provided, single submitter. Criteria: Invitae Variant Classification Sherloc (09022015). Collection method: clinical testing. Allele origin: germline.

Blueprint Genetics
Classification: Likely benign. Last evaluated: 2022-11-02. Review status: criteria provided, single submitter. Criteria: ACMG Guidelines, 2015. Collection method: clinical testing. Allele origin: germline.